The following is an entry in ClinVar:

ClinVar aggregate classification (germline): Likely benign (0 of 4 stars; one submission).

Conditions:
KISS1-related disorder. Also called: KISS1-related condition.

Allele frequency attached by ClinVar (database versions not stated): TOPMed 0.00077; gnomAD 0.00130.

Submission:

PreventionGenetics, part of Exact Sciences
Classification: Likely benign for KISS1-related condition. Last evaluated: 2019-03-01. Review status: no assertion criteria provided. Collection method: clinical testing. Allele origin: germline.
Comment: This variant is classified as likely benign based on ACMG/AMP sequence variant interpretation guidelines (Richards et al. 2015 PMID: 25741868, with internal and published modifications).

NC_000001.11:g.204196535G>A

Gene: KISS1 (KiSS-1 metastasis suppressor; minus strand). Cytogenetic location: 1q32.1.
Variant type: single nucleotide variant.
Genome position: GRCh38 VCF-style: chr1-204196535-G-A. GRCh37 (hg19) VCF-style: chr1-204165663-G-A.
Identifiers: ClinVar variation 3041517 (VCV003041517.2), dbSNP rs770004886, ClinGen allele CA35753597.